The following is an entry in ClinVar:

NM_017654.4(SAMD9):c.39T>C (p.Asp13=)

Gene: SAMD9 (sterile alpha motif domain containing 9; minus strand). Cytogenetic location: 7q21.2.
Variant type: single nucleotide variant.
Coding change: c.39T>C on transcript NM_017654.4 (MANE Select); coding-DNA position 39, T replaced by C.
Protein change: p.Asp13=; no amino-acid change (aspartic acid 13 retained).
Molecular consequence: synonymous variant.
Genome position (GRCh38, 1-based): chr7:93,106,059, A>G on the plus strand (T>C on the coding strand, the complement: SAMD9 is on the minus strand). VCF-style: chr7-93106059-A-G. GRCh37 (hg19) VCF-style: chr7-92735372-A-G.
Other names: c.39T>C, p.Asp13= (NM_001193307.2).
Identifiers: ClinVar variation 740407 (VCV000740407.10), dbSNP rs779908712, ClinGen allele CA4343232.

ClinVar aggregate classification (germline): Likely benign. Review status: criteria provided, multiple submitters, no conflicts (2 of 4 stars). 3 submissions from 3 submitters: Likely benign (2). 1 of the submissions does not count toward it. Last evaluated 2025-02-19.

Conditions:
Inborn genetic diseases. Identifiers: MedGen C0950123, MeSH D030342.
SAMD9-related disorder. Also called: SAMD9-related condition.

Allele frequency attached by ClinVar (database versions not stated): TOPMed 0.00002; gnomAD 0.00003; gnomAD exomes 0.00001 and 0.00002; ExAC 0.00002.

Submissions (3):

Labcorp Genetics (formerly Invitae), Labcorp
Classification: Likely benign. Last evaluated: 2025-02-19. Review status: criteria provided, single submitter. Criteria: Invitae Variant Classification Sherloc (09022015). Collection method: clinical testing. Allele origin: germline.

Ambry Genetics
Classification: Likely benign for Inborn genetic diseases. Last evaluated: 2024-11-23. Review status: criteria provided, single submitter. Criteria: Ambry Variant Classification Scheme 2023. Collection method: clinical testing. Allele origin: germline.

PreventionGenetics, part of Exact Sciences
Classification: Likely benign for SAMD9-related condition. Last evaluated: 2019-11-26. Review status: no assertion criteria provided. Collection method: clinical testing. Allele origin: germline. Not counted in ClinVar's aggregate classification.
Comment: This variant is classified as likely benign based on ACMG/AMP sequence variant interpretation guidelines (Richards et al. 2015 PMID: 25741868, with internal and published modifications).